The following is an entry in ClinVar:

ClinVar aggregate classification (germline): Uncertain significance (1 of 4 stars; one submission).

Conditions:
Familial thoracic aortic aneurysm and aortic dissection (TAAD). Also called: Thoracic aortic aneurysms and dissections. Identifiers: Orphanet 91387, MedGen C4707243, MONDO:0019625.

Submission:

Ambry Genetics
Classification: Uncertain significance for Familial thoracic aortic aneurysm and aortic dissection. Last evaluated: 2024-11-01. Review status: criteria provided, single submitter. Criteria: Ambry Variant Classification Scheme 2023. Collection method: clinical testing. Allele origin: germline.
Comment: The c.1518A>T (p.R506S) alteration is located in coding exon 23 of the COL5A2 gene. This alteration results from an A to T substitution at nucleotide position 1518, causing the arginine (R) at amino acid position 506 to be replaced by a serine (S). This variant was not reported in population-based cohorts in the Genome Aggregation Database (gnomAD). This amino acid position is highly conserved in available vertebrate species. The in silico prediction for this alteration is inconclusive. Based on insufficient or conflicting evidence, the clinical significance of this alteration remains unclear.

NM_000393.5(COL5A2):c.1518A>T (p.Arg506Ser)

Gene: COL5A2 (collagen type V alpha 2 chain; minus strand). Cytogenetic location: 2q32.2.
Variant type: single nucleotide variant.
Coding change: c.1518A>T on transcript NM_000393.5 (MANE Select); coding-DNA position 1518, A replaced by T.
Protein change: p.Arg506Ser; replaces arginine 506 with serine.
Molecular consequence: missense variant.
Genome position (GRCh38, 1-based): chr2:189,066,435, T>A on the plus strand (A>T on the coding strand, the complement: COL5A2 is on the minus strand). VCF-style: chr2-189066435-T-A. GRCh37 (hg19) VCF-style: chr2-189931161-T-A.
Other names: short protein forms R506S.
Identifiers: ClinVar variation 521621 (VCV000521621.4), dbSNP rs1553515645, ClinGen allele CA349851274.